The following is an entry in ClinVar:

ClinVar aggregate classification (germline): Pathogenic. Review status: criteria provided, multiple submitters, no conflicts (2 of 4 stars). 4 submissions from 4 submitters: Pathogenic (4). Last evaluated 2023-01-03.

Conditions:
RPL11-related disorder. Also called: RPL11-related condition.
Diamond-Blackfan anemia 7 (DBA7). Also called: RPL11-Related Diamond-Blackfan Anemia. Identifiers: Orphanet 124, MedGen C2675512, MONDO:0012938, OMIM 612562.

Submissions (4):

GeneDx
Classification: Pathogenic. Last evaluated: 2023-01-03. Review status: criteria provided, single submitter. Criteria: GeneDx Variant Classification Process June 2021. Collection method: clinical testing. Allele origin: germline. Affected: yes.
Comment: Nonsense variant predicted to result in protein truncation or nonsense mediated decay in a gene for which loss of function is a known mechanism of disease; Not observed in large population cohorts (gnomAD); This variant is associated with the following publications: (PMID: 19061985)

Revvity Omics, Revvity
Classification: Pathogenic for Diamond-Blackfan anemia 7. Last evaluated: 2022-06-17. Review status: criteria provided, single submitter. Criteria: ACMG Guidelines, 2015. Collection method: clinical testing. Allele origin: germline.

Laboratory of Medical Genetics, National & Kapodistrian University of Athens
Classification: Pathogenic for Diamond-Blackfan anemia 7. Last evaluated: 2022-04-14. Review status: criteria provided, single submitter. Criteria: ACMG Guidelines, 2015. Collection method: clinical testing. Allele origin: germline. Affected: yes.
Comment: PVS1, PM2

Blueprint Genetics
Classification: Pathogenic for RPL11-related disorders. Last evaluated: 2019-12-31. Review status: criteria provided, single submitter. Criteria: ACMG Guidelines, 2015. Collection method: clinical testing. Allele origin: germline. Affected: yes. Observed: 1 variant allele.

NM_000975.5(RPL11):c.94_97del (p.Asp31_Arg32insTer)

Gene: RPL11 (ribosomal protein L11; plus strand). Cytogenetic location: 1p36.11.
Variant type: Microsatellite.
Coding change: c.94_97del on transcript NM_000975.5 (MANE Select); coding-DNA positions 94 to 97, 4 bases deleted (AGAC; older notation c.94_97delAGAC).
Protein change: p.Asp31_Arg32insTer.
Molecular consequence: nonsense.
Genome position (GRCh38, 1-based): chr1:23,692,696-23,692,699, AGAC deleted; deleting any 4 consecutive bases within chr1:23,692,692-23,692,699 gives the same sequence; the c. name uses the placement nearest the transcript's 3' end. VCF-style (leftmost placement, unchanged base first): chr1-23692691-GAGAC-G. GRCh37 (hg19) VCF-style: chr1-24019181-GAGAC-G.
Other names: c.91_94del, p.Asp30_Arg31insTer (NM_001199802.1); c.94_97delAGAC (NM_000975.5).
Identifiers: ClinVar variation 1708160 (VCV001708160.6), dbSNP rs2523395096, ClinGen allele CA2580611428.
Genomic context (GRCh38, chr1:23,692,691, plus strand): 5'-ACCCCATGCGGGAACTTCGCATCCGCAAACTCTGTCTCAACATCTGTGTTGGGGAGAGTG[GAGAC>G]AGACTGACGCGAGCAGCCAAGGTGTTGGAGCAGCTCACAGGGCAGACCCCTGTGTTTTCC-3'